The following is an entry in ClinVar:

NM_001440.4(EXTL3):c.1805G>A (p.Arg602His)

Gene: EXTL3 (exostosin like glycosyltransferase 3; plus strand). Cytogenetic location: 8p21.1.
Variant type: single nucleotide variant.
Coding change: c.1805G>A on transcript NM_001440.4 (MANE Select); coding-DNA position 1805, G replaced by A.
Protein change: p.Arg602His; replaces arginine 602 with histidine.
Molecular consequence: missense variant.
Genome position (GRCh38, 1-based): chr8:28,717,864, G>A. VCF-style: chr8-28717864-G-A. GRCh37 (hg19) VCF-style: chr8-28575381-G-A.
Other names: c.1805G>A (NM_001440.2); short protein forms R602H.
Identifiers: ClinVar variation 1443435 (VCV001443435.7), dbSNP rs773766888, ClinGen allele CA4696293.
Genomic context (GRCh38, chr8:28,717,864, plus strand): 5'-CGCCCTACGCCTCACCCAGATACCTCCGCAATTTCACTCTGACTGTCACTGACTTTTACC[G>A]CAGCTGGAACTGTGCTCCAGGGCCTTTCCATCTTTTCCCCCACACTCCCTTTGACCCTGT-3'
Protein context (NP_001431.1, residues 592-612): NFTLTVTDFY[Arg602His]SWNCAPGPFH

ClinVar aggregate classification (germline): Uncertain significance. Review status: criteria provided, multiple submitters, no conflicts (2 of 4 stars). 2 submissions from 2 submitters: Uncertain significance (2). Last evaluated 2025-08-23.

Conditions:
Inborn genetic diseases. Identifiers: MedGen C0950123, MeSH D030342.

Allele frequency attached by ClinVar (database versions not stated): ExAC 0.00001; gnomAD 0.00001; gnomAD exomes 0.00001; TOPMed 0.00001.
gnomAD v4.1: 15 of 1,612,844 alleles (0.00093%); highest among the groups gnomAD compares: African/African-American, 0.0013%; no homozygotes.

Submissions (2):

Ambry Genetics
Classification: Uncertain significance for Inborn genetic diseases. Last evaluated: 2025-08-23. Review status: criteria provided, single submitter. Criteria: Ambry Variant Classification Scheme 2023. Collection method: clinical testing. Allele origin: germline.

Labcorp Genetics (formerly Invitae), Labcorp
Classification: Uncertain significance. Last evaluated: 2022-07-25. Review status: criteria provided, single submitter. Criteria: Invitae Variant Classification Sherloc (09022015). Collection method: clinical testing. Allele origin: germline.
Comment: This sequence change replaces arginine, which is basic and polar, with histidine, which is basic and polar, at codon 602 of the EXTL3 protein (p.Arg602His). This variant is present in population databases (rs773766888, gnomAD 0.002%). This variant has not been reported in the literature in individuals affected with EXTL3-related conditions. ClinVar contains an entry for this variant (Variation ID: 1443435). Algorithms developed to predict the effect of missense changes on protein structure and function are either unavailable or do not agree on the potential impact of this missense change (SIFT: "Tolerated"; PolyPhen-2: "Possibly Damaging"; Align-GVGD: "Class C0"). In summary, the available evidence is currently insufficient to determine the role of this variant in disease. Therefore, it has been classified as a Variant of Uncertain Significance.